The following is an entry in ClinVar:

ClinVar aggregate classification (germline): Uncertain significance (0 of 4 stars; one submission).

Conditions:
SERPINA1-related disorder. Also called: SerpinA1-related disorders; SERPINA1-related condition.

Submission:

PreventionGenetics, part of Exact Sciences
Classification: Uncertain significance for SERPINA1-related condition. Last evaluated: 2024-02-28. Review status: no assertion criteria provided. Collection method: clinical testing. Allele origin: germline.
Comment: The SERPINA1 c.115C>T variant is predicted to result in the amino acid substitution p.His39Tyr. To our knowledge, this variant has not been reported in the literature or in a large population database, indicating this variant is rare. At this time, the clinical significance of this variant is uncertain due to the absence of conclusive functional and genetic evidence.

NM_000295.5(SERPINA1):c.115C>T (p.His39Tyr)

Gene: SERPINA1 (serpin family A member 1; minus strand). Cytogenetic location: 14q32.13.
Variant type: single nucleotide variant.
Coding change: c.115C>T on transcript NM_000295.5 (MANE Select); coding-DNA position 115, C replaced by T.
Protein change: p.His39Tyr; replaces histidine 39 with tyrosine.
Molecular consequence: missense variant.
Genome position (GRCh38, 1-based): chr14:94,383,123, G>A on the plus strand (C>T on the coding strand, the complement: SERPINA1 is on the minus strand). VCF-style: chr14-94383123-G-A. GRCh37 (hg19) VCF-style: chr14-94849460-G-A.
Other names: c.115C>T, p.His39Tyr (NM_001002235.3, NM_001002236.3, NM_001127700.2 and 7 more transcripts); short protein forms H39Y.
Identifiers: ClinVar variation 3061052 (VCV003061052.2), dbSNP rs138070585, ClinGen allele CA390850758.